The following is an entry in ClinVar:

ClinVar aggregate classification (germline): Benign. Review status: criteria provided, single submitter (1 of 4 stars). 2 submissions from 2 submitters: Benign (1). 1 of the submissions does not count toward it. Last evaluated 2024-11-26.

Conditions:
ASH1L-related disorder. Also called: ASH1L-related condition.

gnomAD v4.1: 7,314 of 1,614,044 alleles (0.45%); highest among the groups gnomAD compares: Non-Finnish European, 0.5%; 24 homozygotes.

Submissions (2):

Blueprint Genetics
Classification: Benign. Last evaluated: 2024-11-26. Review status: criteria provided, single submitter. Criteria: ACMG Guidelines, 2015. Collection method: clinical testing. Allele origin: germline.

PreventionGenetics, part of Exact Sciences
Classification: Benign for ASH1L-related condition. Last evaluated: 2024-06-21. Review status: no assertion criteria provided. Collection method: clinical testing. Allele origin: germline. Not counted in ClinVar's aggregate classification.
Comment: This variant is classified as benign based on ACMG/AMP sequence variant interpretation guidelines (Richards et al. 2015 PMID: 25741868, with internal and published modifications).

NM_018489.3(ASH1L):c.7421+10C>A

Gene: ASH1L (ASH1 like histone lysine methyltransferase; minus strand). Cytogenetic location: 1q22.
Variant type: single nucleotide variant.
Coding change: c.7421+10C>A on transcript NM_018489.3 (MANE Select); 10 bases into the intron after coding-DNA position 7421, C replaced by A.
Molecular consequence: intron variant.
Genome position (GRCh38, 1-based): chr1:155,349,532, G>T on the plus strand (C>A on the coding strand, the complement: ASH1L is on the minus strand). VCF-style: chr1-155349532-G-T. GRCh37 (hg19) VCF-style: chr1-155319323-G-T.
Other names: c.7436+10C>A (NM_001366177.2).
Identifiers: ClinVar variation 3350240 (VCV003350240.2).